The following is an entry in ClinVar:

NM_024422.6(DSC2):c.2226A>G (p.Thr742=)

Gene: DSC2 (desmocollin 2; minus strand). Cytogenetic location: 18q12.1.
Variant type: single nucleotide variant.
Coding change: c.2226A>G on transcript NM_024422.6 (MANE Select); coding-DNA position 2226, A replaced by G.
Protein change: p.Thr742=; no amino-acid change (threonine 742 retained).
Molecular consequence: synonymous variant.
Genome position (GRCh38, 1-based): chr18:31,070,750, T>C on the plus strand (A>G on the coding strand, the complement: DSC2 is on the minus strand). VCF-style: chr18-31070750-T-C. GRCh37 (hg19) VCF-style: chr18-28650716-T-C.
Other names: c.2226A>G, p.Thr742= (NM_004949.5).
Identifiers: ClinVar variation 468377 (VCV000468377.60), dbSNP rs142807209, ClinGen allele CA035480.
Genomic context (GRCh38, chr18:31,070,750, plus strand): 5'-ATCCTTTGTATTTATTTAAAAAGCCAGACTACTTACCACTTTGTCATCTCCAGGAGCTTC[T>C]GTGTTTGATACAATTAGGTTCTGCTGGGCTAAATCATCAGGAATTACTTTTGGTTGTTTA-3'
Protein context (NP_077740.1, residues 732-752): LAQQNLIVSN[Thr742=]EAPGDDKVYS

ClinVar aggregate classification (germline): Likely benign. Review status: criteria provided, multiple submitters, no conflicts (2 of 4 stars). 8 submissions from 8 submitters: Likely benign (8). Last evaluated 2026-01-27.

Conditions:
Cardiovascular phenotype. Identifiers: MedGen CN230736.
Familial isolated arrhythmogenic right ventricular dysplasia. Identifiers: Orphanet 217656, MedGen C4274968, MONDO:0016342.
Cardiomyopathy (CMYO). Also called: Cardiomyopathies. Identifiers: Orphanet 167848, MedGen C0878544, MONDO:0004994, HP:0001638. Inheritance: Various modes of inheritance.
Arrhythmogenic right ventricular dysplasia 11. Also called: Arrhythmogenic Right Ventricular Dysplasia/Cardiomyopathy11; Arrhythmogenic right ventricular dysplasia 11 with mild palmoplantar keratoderma and woolly hair; ARRHYTHMOGENIC RIGHT VENTRICULAR DYSPLASIA, FAMILIAL, 11. Identifiers: MedGen C1864850, MONDO:0012506, OMIM 610476.

Allele frequency attached by ClinVar (database versions not stated): gnomAD exomes 0.00001 and 0.00003; ExAC 0.00006; ESP Exome Variant Server 0.00008; gnomAD 0.00012 and 0.00014; TOPMed 0.00020.
gnomAD v4.1: 35 of 1,613,830 alleles (0.0022%); highest among the groups gnomAD compares: African/African-American, 0.041%; no homozygotes.

Submissions (8):

Labcorp Genetics (formerly Invitae), Labcorp
Classification: Likely benign for Arrhythmogenic right ventricular dysplasia 11. Last evaluated: 2026-01-27. Review status: criteria provided, single submitter. Criteria: Invitae Variant Classification Sherloc (09022015). Collection method: clinical testing. Allele origin: germline.

Molecular Diagnostic Laboratory for Inherited Cardiovascular Disease, Montreal Heart Institute
Classification: Likely benign. Last evaluated: 2025-04-09. Review status: criteria provided, single submitter. Criteria: ACMG Guidelines, 2015. Collection method: clinical testing. Allele origin: germline. Affected: no.

All of Us Research Program, National Institutes of Health
Classification: Likely benign for Familial isolated arrhythmogenic right ventricular dysplasia. Last evaluated: 2023-11-28. Review status: criteria provided, single submitter. Criteria: ACMG Guidelines, 2015. Collection method: clinical testing. Allele origin: germline. Inheritance: Autosomal dominant inheritance. Observed: 13 variant alleles, 13 heterozygotes.
Comment: This study involves interpretation of variants in research participants for the purpose of population health screening. Participant phenotype was not available at the time of variant classification. Additional details can be found in publication PMID: 35346344, PMCID: PMC8962531

Women's Health and Genetics/Laboratory Corporation of America, LabCorp
Classification: Likely benign. Last evaluated: 2023-01-09. Review status: criteria provided, single submitter. Criteria: LabCorp Variant Classification Summary - May 2015. Collection method: clinical testing. Allele origin: germline.

Blueprint Genetics
Classification: Likely benign. Last evaluated: 2022-07-26. Review status: criteria provided, single submitter. Criteria: ACMG Guidelines, 2015. Collection method: clinical testing. Allele origin: germline.

Color Diagnostics, LLC DBA Color Health
Classification: Likely benign for Cardiomyopathy. Last evaluated: 2019-09-04. Review status: criteria provided, single submitter. Criteria: ACMG Guidelines, 2015. Collection method: clinical testing. Allele origin: germline.

Ambry Genetics
Classification: Likely benign for Cardiovascular phenotype. Last evaluated: 2019-06-19. Review status: criteria provided, single submitter. Criteria: Ambry Variant Classification Scheme 2023. Collection method: clinical testing. Allele origin: germline.

GeneDx
Classification: Likely benign. Last evaluated: 2019-05-15. Review status: criteria provided, single submitter. Criteria: GeneDx Variant Classification Process June 2021. Collection method: clinical testing. Allele origin: germline. Affected: yes.